The following is an entry in ClinVar:

ClinVar aggregate classification (germline): Benign (1 of 4 stars; one submission).

Conditions:
Lynch syndrome 4 (LYNCH4). Also called: Colorectal cancer, hereditary nonpolyposis, type 4; Hereditary non-polyposis colorectal cancer, type 4. Identifiers: Orphanet 144, MedGen C1838333, MONDO:0013699, OMIM 614337. Disease mechanism: loss of function.

Submission:

Myriad Genetics, Inc.
Classification: Benign for Lynch syndrome 4. Last evaluated: 2025-02-04. Review status: criteria provided, single submitter. Criteria: Myriad Autosomal Dominant, Autosomal Recessive and X-Linked Classification Criteria (2023). Collection method: clinical testing. Allele origin: unknown.
Comment: This variant is considered benign. This variant is a silent/synonymous amino acid change and it is not expected to impact splicing.

NM_000535.7(PMS2):c.2577T>C (p.Ile859=)

Gene: PMS2 (PMS1 homolog 2, mismatch repair system component; minus strand). Cytogenetic location: 7p22.1.
Variant type: single nucleotide variant.
Coding change: c.2577T>C on transcript NM_000535.7 (MANE Select); coding-DNA position 2577, T replaced by C.
Protein change: p.Ile859=; no amino-acid change (isoleucine 859 retained).
Molecular consequence: synonymous variant. On other transcripts: non-coding transcript variant (1).
Genome position (GRCh38, 1-based): chr7:5,973,411, A>G on the plus strand (T>C on the coding strand, the complement: PMS2 is on the minus strand). VCF-style: chr7-5973411-A-G. GRCh37 (hg19) VCF-style: chr7-6013042-A-G.
Other names: c.2172T>C, p.Ile724= (NM_001322003.2, NM_001322004.2, NM_001322005.2 and 11 more transcripts); c.2421T>C, p.Ile807= (NM_001322006.2); c.2259T>C, p.Ile753= (NM_001322007.2, NM_001322008.2, NM_001406883.1); c.2205T>C, p.Ile735= (NM_001322009.2, NM_001406887.1, NM_001406888.1); c.2016T>C, p.Ile672= (NM_001322010.2, NM_001406906.1, NM_001406907.1); c.1644T>C, p.Ile548= (NM_001322011.2, NM_001322012.2); c.2004T>C, p.Ile668= (NM_001322013.2, NM_001406908.1, NM_001406909.1); c.2610T>C, p.Ile870= (NM_001322014.2); and 20 more.
Identifiers: ClinVar variation 3903551 (VCV003903551.1).